The following is an entry in ClinVar:

ClinVar aggregate classification (germline): Uncertain significance (1 of 4 stars; one submission).

Conditions:
TP63-related ectodermal dysplasia.

Submission:

Hacettepe Pediatric Genetics Laboratory, Hacettepe University
Classification: Uncertain significance for TP63-related ectodermal dysplasia. Last evaluated: 2023-01-25. Review status: criteria provided, single submitter. Criteria: ACMG Guidelines, 2015. Collection method: clinical testing. Allele origin: germline. Affected: yes. Observed: 1 heterozygote.
Comment: This variant was neither found in ExAC nor 1000G. This change was classified as “ uncertain significance” according to the ACMG guidelines.

NM_003722.5(TP63):c.1507+3A>T

Gene: TP63 (tumor protein p63; plus strand). Cytogenetic location: 3q28.
Variant type: single nucleotide variant.
Coding change: c.1507+3A>T on transcript NM_003722.5 (MANE Select); 3 bases into the intron after coding-DNA position 1507, A replaced by T.
Molecular consequence: intron variant.
Genome position (GRCh38, 1-based): chr3:189,886,554, A>T. VCF-style: chr3-189886554-A-T. GRCh37 (hg19) VCF-style: chr3-189604343-A-T.
Other names: c.1501+3A>T (NM_001329964.2); c.1507+3A>T (NM_001114978.2, NM_001329144.2); c.1495+3A>T (NM_001329148.2); c.1225+3A>T (NM_001114980.2, NM_001114981.2, NM_001329145.2); c.1213+3A>T (NM_001329149.2); c.970+3A>T (NM_001329146.2); c.958+3A>T (NM_001329150.2).
Identifiers: ClinVar variation 2412644 (VCV002412644.2), dbSNP rs2474696442, ClinGen allele CA2580616027.